The following is an entry in ClinVar:

ClinVar aggregate classification (germline): Uncertain significance (1 of 4 stars; one submission).

Conditions:
Inborn genetic diseases. Identifiers: MedGen C0950123, MeSH D030342.

Submission:

Ambry Genetics
Classification: Uncertain significance for Inborn genetic diseases. Last evaluated: 2024-02-22. Review status: criteria provided, single submitter. Criteria: Ambry Variant Classification Scheme 2023. Collection method: clinical testing. Allele origin: germline.
Comment: The c.890C>T (p.T297I) alteration is located in exon 5 (coding exon 4) of the NLGN4X gene. This alteration results from a C to T substitution at nucleotide position 890, causing the threonine (T) at amino acid position 297 to be replaced by an isoleucine (I). This variant was not reported in population-based cohorts in the Genome Aggregation Database (gnomAD). This amino acid position is highly conserved in available vertebrate species. This missense alteration is located in a region that has a low rate of benign missense variation (Lek, 2016; Firth, 2009). This alteration is predicted to be deleterious by in silico analysis. Based on insufficient or conflicting evidence, the clinical significance of this alteration remains unclear.

NM_181332.3(NLGN4X):c.890C>T (p.Thr297Ile)

Gene: NLGN4X (neuroligin 4 X-linked; minus strand). Cytogenetic location: Xp22.32.
Variant type: single nucleotide variant.
Coding change: c.890C>T on transcript NM_181332.3 (MANE Select); coding-DNA position 890, C replaced by T.
Protein change: p.Thr297Ile; replaces threonine 297 with isoleucine.
Molecular consequence: missense variant.
Genome position (GRCh38, 1-based): chrX:5,903,788, G>A on the plus strand (C>T on the coding strand, the complement: NLGN4X is on the minus strand). VCF-style: chrX-5903788-G-A. GRCh37 (hg19) VCF-style: chrX-5821829-G-A.
Other names: c.890C>T, p.Thr297Ile (NM_001282145.2, NM_001282146.2, NM_020742.4); short protein forms T297I.
Identifiers: ClinVar variation 3200435 (VCV003200435.1), dbSNP rs1391724177, ClinGen allele CA412011616.